The following is an entry in ClinVar:

NM_002880.4(RAF1):c.1107C>T (p.His369=)

Gene: RAF1 (Raf-1 proto-oncogene, serine/threonine kinase; minus strand). Cytogenetic location: 3p25.2.
Variant type: single nucleotide variant.
Coding change: c.1107C>T on transcript NM_002880.4 (MANE Select); coding-DNA position 1107, C replaced by T.
Protein change: p.His369=; no amino-acid change (histidine 369 retained).
Molecular consequence: synonymous variant. On other transcripts: non-coding transcript variant (3).
Genome position (GRCh38, 1-based): chr3:12,599,692, G>A on the plus strand (C>T on the coding strand, the complement: RAF1 is on the minus strand). VCF-style: chr3-12599692-G-A. GRCh37 (hg19) VCF-style: chr3-12641191-G-A.
Other names: c.1167C>T, p.His389= (NM_001354689.3); c.1107C>T, p.His369= (NM_001354690.3); c.864C>T, p.His288= (NM_001354691.3, NM_001354692.3); c.1008C>T, p.His336= (NM_001354693.3); c.924C>T, p.His308= (NM_001354694.3); c.765C>T, p.His255= (NM_001354695.3).
Identifiers: ClinVar variation 852175 (VCV000852175.23), dbSNP rs761947194, ClinGen allele CA2259588.

ClinVar aggregate classification (germline): Conflicting classifications of pathogenicity. Review status: criteria provided, conflicting classifications (1 of 4 stars). 6 submissions from 6 submitters: Uncertain significance (1); Benign (1); Likely benign (4). Last evaluated 2026-01-19.

Conditions:
Cardiovascular phenotype. Identifiers: MedGen CN230736.
RASopathy. Also called: rasopathies; Noonan spectrum disorder. Identifiers: Orphanet 536391, MedGen C5555857, MONDO:0021060.

Allele frequency attached by ClinVar (database versions not stated): gnomAD exomes 0.00003 and 0.00008; TOPMed 0.00004; gnomAD 0.00006; ExAC 0.00010.
gnomAD v4.1: 58 of 1,612,276 alleles (0.0036%); highest among the groups gnomAD compares: Middle Eastern, 0.016%; no homozygotes.

Submissions (6):

Labcorp Genetics (formerly Invitae), Labcorp
Classification: Uncertain significance for RASopathy. Last evaluated: 2026-01-19. Review status: criteria provided, single submitter. Criteria: Invitae Variant Classification Sherloc (09022015). Collection method: clinical testing. Allele origin: germline.
Comment: This sequence change affects codon 369 of the RAF1 mRNA. It is a 'silent' change, meaning that it does not change the encoded amino acid sequence of the RAF1 protein. It affects a nucleotide within the consensus splice site. This variant is present in population databases (rs761947194, gnomAD 0.03%). This variant has not been reported in the literature in individuals affected with RAF1-related conditions. ClinVar contains an entry for this variant (Variation ID: 852175). Algorithms developed to predict the effect of sequence changes on RNA splicing suggest that this variant is not likely to affect RNA splicing. In summary, the available evidence is currently insufficient to determine the role of this variant in disease. Therefore, it has been classified as a Variant of Uncertain Significance.

CeGaT Center for Human Genetics Tuebingen
Classification: Likely benign. Last evaluated: 2025-11-01. Review status: criteria provided, single submitter. Criteria: CeGaT Center For Human Genetics Tuebingen Variant Classification Criteria Version 2. Collection method: clinical testing. Allele origin: germline. Affected: yes. Observed: 1 variant allele.
Comment: RAF1: BP4, BP7

Blueprint Genetics
Classification: Likely benign. Last evaluated: 2023-05-05. Review status: criteria provided, single submitter. Criteria: ACMG Guidelines, 2015. Collection method: clinical testing. Allele origin: germline.

Women's Health and Genetics/Laboratory Corporation of America, LabCorp
Classification: Benign. Last evaluated: 2022-05-02. Review status: criteria provided, single submitter. Criteria: LabCorp Variant Classification Summary - May 2015. Collection method: clinical testing. Allele origin: germline.
Comment: Variant summary: RAF1 c.1107C>T (p.His369His) alters a conserved nucleotide located close to a canonical splice site and therefore could affect mRNA splicing, leading to a significantly altered protein sequence. 4/4 computational tools predict no significant impact on normal splicing. However, these predictions have yet to be confirmed by functional studies. The variant allele was found at a frequency of 8.4e-05 in 251460 control chromosomes (gnomAD). The observed variant frequency is approximately 3 fold of the estimated maximal expected allele frequency for a pathogenic variant in RAF1 causing Noonan Syndrome phenotype (2.5e-05), strongly suggesting that the variant is benign. To our knowledge, no occurrence of c.1107C>T in individuals affected with Noonan Syndrome and no experimental evidence demonstrating its impact on protein function have been reported. Two ClinVar submitters (evaluation after 2014) cite the variant as uncertain significance and likely benign. Based on the evidence outlined above, the variant was classified as benign.

GeneDx
Classification: Likely benign. Last evaluated: 2021-02-22. Review status: criteria provided, single submitter. Criteria: GeneDx Variant Classification Process June 2021. Collection method: clinical testing. Allele origin: germline. Affected: yes.

Ambry Genetics
Classification: Likely benign for Cardiovascular phenotype. Last evaluated: 2021-01-05. Review status: criteria provided, single submitter. Criteria: Ambry Variant Classification Scheme 2023. Collection method: clinical testing. Allele origin: germline.